The following is an entry in ClinVar:

ClinVar aggregate classification (germline): Uncertain significance (1 of 4 stars; one submission).

Conditions:
Beta-D-mannosidosis (MANSB). Also called: Beta-Mannosidosis; MANNOSIDOSIS, BETA A, LYSOSOMAL; BETA-MANNOSIDASE DEFICIENCY; LYSOSOMAL BETA-MANNOSIDASE DEFICIENCY. Identifiers: Orphanet 118, MedGen C4048196, MONDO:0009562, OMIM 248510.

gnomAD v4.1: 1 of 1,614,078 alleles (0.000062%); highest among the groups gnomAD compares: Non-Finnish European, 0.000085%; no homozygotes.

Submission:

Labcorp Genetics (formerly Invitae), Labcorp
Classification: Uncertain significance for Beta-D-mannosidosis. Last evaluated: 2021-08-31. Review status: criteria provided, single submitter. Criteria: Invitae Variant Classification Sherloc (09022015). Collection method: clinical testing. Allele origin: germline.
Comment: This sequence change replaces aspartic acid with glutamic acid at codon 136 of the MANBA protein (p.Asp136Glu). The aspartic acid residue is weakly conserved and there is a small physicochemical difference between aspartic acid and glutamic acid. This variant is present in population databases (rs779626922, ExAC 0.01%). This variant has not been reported in the literature in individuals affected with MANBA-related conditions. Algorithms developed to predict the effect of missense changes on protein structure and function output the following: SIFT: "Tolerated"; PolyPhen-2: "Benign"; Align-GVGD: "Class C0". The glutamic acid amino acid residue is found in multiple mammalian species, which suggests that this missense change does not adversely affect protein function. In summary, the available evidence is currently insufficient to determine the role of this variant in disease. Therefore, it has been classified as a Variant of Uncertain Significance.

NM_005908.4(MANBA):c.408C>G (p.Asp136Glu)

Gene: MANBA (mannosidase beta; minus strand). Cytogenetic location: 4q24.
Variant type: single nucleotide variant.
Coding change: c.408C>G on transcript NM_005908.4 (MANE Select); coding-DNA position 408, C replaced by G.
Protein change: p.Asp136Glu; replaces aspartic acid 136 with glutamic acid.
Molecular consequence: missense variant.
Genome position (GRCh38, 1-based): chr4:102,723,012, G>C on the plus strand (C>G on the coding strand, the complement: MANBA is on the minus strand). VCF-style: chr4-102723012-G-C. GRCh37 (hg19) VCF-style: chr4-103644169-G-C.
Other names: short protein forms D136E.
Identifiers: ClinVar variation 1042784 (VCV001042784.2), dbSNP rs779626922, ClinGen allele CA3027232.